The following is an entry in ClinVar:

NM_000548.5(TSC2):c.4989+5G>A

Gene: TSC2 (TSC complex subunit 2; plus strand). Cytogenetic location: 16p13.3.
Variant type: single nucleotide variant.
Coding change: c.4989+5G>A on transcript NM_000548.5 (MANE Select); 5 bases into the intron after coding-DNA position 4989, G replaced by A.
Molecular consequence: intron variant.
Genome position (GRCh38, 1-based): chr16:2,086,876, G>A. VCF-style: chr16-2086876-G-A. GRCh37 (hg19) VCF-style: chr16-2136877-G-A.
Other names: c.4920+5G>A (NM_001114382.3); c.4860+5G>A (NM_021055.3, NM_001370405.1); c.4791+5G>A (NM_001363528.2); c.4857+5G>A (NM_001370404.1); c.4788+5G>A (NM_001077183.3); c.4680+5G>A (NM_001318827.2); c.4257+5G>A (NM_001318831.2); c.4644+5G>A (NM_001318829.2); and 1 more.
Identifiers: ClinVar variation 387029 (VCV000387029.5), dbSNP rs1057522671, ClinGen allele CA16607172.
Genomic context (GRCh38, chr16:2,086,876, plus strand): 5'-TTGTGTCCATTGTCTACAATGACTCCGGTGAGGACTTCAAGCTTGGCACCATCAAGGTGA[G>A]TGAGGGGCCGTCAGTGAGGCTGGGCCCCAGGCAGGTGCCCACTGCTGTGTCCCGGGTTGG-3'

ClinVar aggregate classification (germline): Conflicting classifications of pathogenicity. Review status: criteria provided, conflicting classifications (1 of 4 stars). 3 submissions from 3 submitters: Uncertain significance (2); Likely benign (1). Last evaluated 2025-03-06.

Conditions:
Hereditary cancer-predisposing syndrome. Also called: Neoplastic Syndromes, Hereditary; Hereditary neoplastic syndrome; Tumor predisposition; Hereditary Cancer Syndrome. Identifiers: Orphanet 140162, MedGen C0027672, MeSH D009386, MONDO:0015356.
Tuberous sclerosis 2 (TSC2). Identifiers: Orphanet 805, MedGen C1860707, MONDO:0013199, OMIM 613254.

Allele frequency attached by ClinVar (database versions not stated): gnomAD exomes below 0.00001 and 0.00001.
gnomAD v4.1: 2 of 1,577,376 alleles (0.00013%); highest among the groups gnomAD compares: Non-Finnish European, 0.00017%; no homozygotes.

Submissions (3):

Labcorp Genetics (formerly Invitae), Labcorp
Classification: Uncertain significance for Tuberous sclerosis 2. Last evaluated: 2025-03-06. Review status: criteria provided, single submitter. Criteria: Invitae Variant Classification Sherloc (09022015). Collection method: clinical testing. Allele origin: germline.
Comment: This sequence change falls in intron 38 of the TSC2 gene. It does not directly change the encoded amino acid sequence of the TSC2 protein. It affects a nucleotide within the consensus splice site. The frequency data for this variant in the population databases is considered unreliable, as metrics indicate poor data quality at this position in the gnomAD database. This variant has not been reported in the literature in individuals affected with TSC2-related conditions. ClinVar contains an entry for this variant (Variation ID: 387029). Variants that disrupt the consensus splice site are a relatively common cause of aberrant splicing (PMID: 17576681, 9536098). Algorithms developed to predict the effect of sequence changes on RNA splicing suggest that this variant may create or strengthen a splice site. In summary, the available evidence is currently insufficient to determine the role of this variant in disease. Therefore, it has been classified as a Variant of Uncertain Significance.

Ambry Genetics
Classification: Uncertain significance for Hereditary cancer-predisposing syndrome. Last evaluated: 2023-09-13. Review status: criteria provided, single submitter. Criteria: Ambry Variant Classification Scheme 2023. Collection method: clinical testing. Allele origin: germline.
Comment: The c.4989+5G>A intronic variant results from a G to A substitution 5 nucleotides after coding exon 37 in the TSC2 gene. This nucleotide position is well conserved in available vertebrate species. In silico splice site analysis predicts that this alteration will result in the creation or strengthening of a novel splice donor site. Since supporting evidence is limited at this time, the clinical significance of this alteration remains unclear.

GeneDx
Classification: Likely benign. Last evaluated: 2016-06-24. Review status: criteria provided, single submitter. Criteria: GeneDx Variant Classification (06012015). Collection method: clinical testing. Allele origin: germline. Affected: yes.
Comment: This variant is considered likely benign or benign based on one or more of the following criteria: it is a conservative change, it occurs at a poorly conserved position in the protein, it is predicted to be benign by multiple in silico algorithms, and/or has population frequency not consistent with disease.

Literature cited by the submitters: PubMed 17576681 (cited by Labcorp Genetics (formerly Invitae), Labcorp); PubMed 9536098 (cited by Labcorp Genetics (formerly Invitae), Labcorp).